The following is an entry in ClinVar:

ClinVar aggregate classification (germline): Uncertain significance (1 of 4 stars; one submission).

Conditions:
RYR1-related disorder. Also called: RYR1-related condition; RYR1-related disorders. Identifiers: MedGen CN239331.

Submission:

Labcorp Genetics (formerly Invitae), Labcorp
Classification: Uncertain significance for RYR1-related disorder. Last evaluated: 2021-02-01. Review status: criteria provided, single submitter. Criteria: Invitae Variant Classification Sherloc (09022015). Collection method: clinical testing. Allele origin: germline.
Comment: In summary, the available evidence is currently insufficient to determine the role of this variant in disease. Therefore, it has been classified as a Variant of Uncertain Significance. Advanced modeling of protein sequence and biophysical properties (such as structural, functional, and spatial information, amino acid conservation, physicochemical variation, residue mobility, and thermodynamic stability) performed at Invitae indicates that this missense variant is expected to disrupt RYR1 protein function. This variant has not been reported in the literature in individuals with RYR1-related conditions. This variant is not present in population databases (ExAC no frequency). This sequence change replaces histidine with proline at codon 4804 of the RYR1 protein (p.His4804Pro). The histidine residue is highly conserved and there is a moderate physicochemical difference between histidine and proline.

NM_000540.3(RYR1):c.14411A>C (p.His4804Pro)

Gene: RYR1 (ryanodine receptor 1; plus strand). Cytogenetic location: 19q13.2.
Variant type: single nucleotide variant.
Coding change: c.14411A>C on transcript NM_000540.3 (MANE Select); coding-DNA position 14411, A replaced by C.
Protein change: p.His4804Pro; replaces histidine 4804 with proline.
Molecular consequence: missense variant.
Genome position (GRCh38, 1-based): chr19:38,580,028, A>C. VCF-style: chr19-38580028-A-C. GRCh37 (hg19) VCF-style: chr19-39070668-A-C.
Other names: c.14396A>C, p.His4799Pro (NM_001042723.2); short protein forms H4804P, H4799P.
Identifiers: ClinVar variation 1368717 (VCV001368717.8), dbSNP rs1568604308, ClinGen allele CA405687001.
Genomic context (GRCh38, chr19:38,580,028, plus strand): 5'-CTGTGTGCCCACAGTCCTTCCTGTACCTGGGCTGGTATATGGTGATGTCCCTCTTGGGAC[A>C]CTACAACAACTTCTTCTTTGCTGCCCATCTCCTGGACATCGCCATGGGGGTCAAGACGCT-3'
Protein context (NP_000531.2, residues 4794-4814): GWYMVMSLLG[His4804Pro]YNNFFFAAHL